The following is an entry in ClinVar:

ClinVar aggregate classification (germline): Conflicting classifications of pathogenicity. Review status: criteria provided, conflicting classifications (1 of 4 stars). 4 submissions from 4 submitters: Uncertain significance (1); Benign (2); Likely benign (1). Last evaluated 2026-01-31.

Conditions:
Deficiency of alpha-mannosidase (MANSA). Also called: LYSOSOMAL ALPHA-D-MANNOSIDASE DEFICIENCY; Mannosidosis, alpha-, types I and II; Alpha-Mannosidosis. Identifiers: Orphanet 61, MedGen C0024748, MONDO:0009561, OMIM 248500.

Allele frequency attached by ClinVar (database versions not stated): 1000 Genomes Project 30x 0.00016; 1000 Genomes Project 0.00020; TOPMed 0.00025.
gnomAD v4.1: 179 of 1,613,576 alleles (0.011%); highest among the groups gnomAD compares: East Asian, 0.2%; 2 homozygotes.

Submissions (4):

Labcorp Genetics (formerly Invitae), Labcorp
Classification: Benign for Deficiency of alpha-mannosidase. Last evaluated: 2026-01-31. Review status: criteria provided, single submitter. Criteria: Invitae Variant Classification Sherloc (09022015). Collection method: clinical testing. Allele origin: germline.

Blueprint Genetics
Classification: Likely benign. Last evaluated: 2024-11-27. Review status: criteria provided, single submitter. Criteria: ACMG Guidelines, 2015. Collection method: clinical testing. Allele origin: germline.

Women's Health and Genetics/Laboratory Corporation of America, LabCorp
Classification: Benign. Last evaluated: 2023-11-16. Review status: criteria provided, single submitter. Criteria: LabCorp Variant Classification Summary - May 2015. Collection method: clinical testing. Allele origin: germline.
Comment: Variant summary: MAN2B1 c.1231-13C>T alters a non-conserved nucleotide located at a position not widely known to affect splicing. Consensus agreement among computation tools predict no significant impact on normal splicing. However, these predictions have yet to be confirmed by functional studies. The variant allele was found at a frequency of 0.00029 in 248636 control chromosomes, predominantly at a frequency of 0.0036 within the East Asian subpopulation in the gnomAD database. The observed variant frequency within East Asian control individuals in the gnomAD database is approximately 2.28 fold of the estimated maximal expected allele frequency for a pathogenic variant in MAN2B1 causing Alpha-Mannosidosis phenotype (0.0016), strongly suggesting that the variant is a benign polymorphism found primarily in populations of East Asian origin. To our knowledge, no occurrence of c.1231-13C>T in individuals affected with Alpha-Mannosidosis and no experimental evidence demonstrating its impact on protein function have been reported. Two submitters have cited clinical-significance assessments for this variant to ClinVar after 2014. One submitter classified the variant as benign, and one submitter classified the variant as uncertain significance. Based on the evidence outlined above, the variant was classified as benign.

Illumina Laboratory Services, Illumina
Classification: Uncertain significance for Deficiency of alpha-mannosidase. Last evaluated: 2018-01-13. Review status: criteria provided, single submitter. Criteria: ICSL Variant Classification Criteria 13 December 2019. Collection method: clinical testing. Allele origin: germline.

NM_000528.4(MAN2B1):c.1231-13C>T

Gene: MAN2B1 (mannosidase alpha class 2B member 1; minus strand). Cytogenetic location: 19p13.13.
Variant type: single nucleotide variant.
Coding change: c.1231-13C>T on transcript NM_000528.4 (MANE Select); 13 bases into the intron before coding-DNA position 1231, C replaced by T.
Molecular consequence: intron variant.
Genome position (GRCh38, 1-based): chr19:12,658,154, G>A on the plus strand (C>T on the coding strand, the complement: MAN2B1 is on the minus strand). VCF-style: chr19-12658154-G-A. GRCh37 (hg19) VCF-style: chr19-12768968-G-A.
Other names: c.1228-13C>T (NM_001173498.2).
Identifiers: ClinVar variation 892389 (VCV000892389.13), dbSNP rs372848519, ClinGen allele CA9226524.